The following is an entry in ClinVar:

ClinVar aggregate classification (germline): Uncertain significance. Review status: criteria provided, multiple submitters, no conflicts (2 of 4 stars). 3 submissions from 3 submitters: Uncertain significance (3). Last evaluated 2026-01-13.

Conditions:
Cardiovascular phenotype. Identifiers: MedGen CN230736.
Atrioventricular septal defect 4 (AVSD4). Identifiers: MedGen C3280781, MONDO:0013747, OMIM 614430.

Allele frequency attached by ClinVar (database versions not stated): gnomAD 0.00001; TOPMed 0.00001; gnomAD exomes 0.00002; ExAC 0.00003; ESP Exome Variant Server 0.00008.
gnomAD v4.1: 16 of 1,614,078 alleles (0.00099%); highest among the groups gnomAD compares: South Asian, 0.0044%; no homozygotes.

Submissions (3):

Labcorp Genetics (formerly Invitae), Labcorp
Classification: Uncertain significance for Atrioventricular septal defect 4. Last evaluated: 2026-01-13. Review status: criteria provided, single submitter. Criteria: Invitae Variant Classification Sherloc (09022015). Collection method: clinical testing. Allele origin: germline.
Comment: This sequence change replaces aspartic acid, which is acidic and polar, with asparagine, which is neutral and polar, at codon 210 of the GATA4 protein (p.Asp210Asn). This variant is present in population databases (rs377673676, gnomAD 0.01%). This missense change has been observed in individual(s) with an unspecified cardiac defect (PMID: 23626780). ClinVar contains an entry for this variant (Variation ID: 570759). Invitae Evidence Modeling of protein sequence and biophysical properties (such as structural, functional, and spatial information, amino acid conservation, physicochemical variation, residue mobility, and thermodynamic stability) has been performed for this missense variant. However, the output from this modeling did not meet the statistical confidence thresholds required to predict the impact of this variant on GATA4 protein function. In summary, the available evidence is currently insufficient to determine the role of this variant in disease. Therefore, it has been classified as a Variant of Uncertain Significance.

Blueprint Genetics
Classification: Uncertain significance. Last evaluated: 2024-07-11. Review status: criteria provided, single submitter. Criteria: ACMG Guidelines, 2015. Collection method: clinical testing. Allele origin: germline.

Ambry Genetics
Classification: Uncertain significance for Cardiovascular phenotype. Last evaluated: 2015-12-11. Review status: criteria provided, single submitter. Criteria: Ambry Variant Classification Scheme 2023. Collection method: clinical testing. Allele origin: germline.
Comment: The p.D210N variant (also known as c.628G>A), located in coding exon 2 of the GATA4 gene, results from a G to A substitution at nucleotide position 628. The aspartic acid at codon 210 is replaced by asparagine, an amino acid with highly similar properties. This variant was reported in an individual with unspecified congenital heart disease (Wang E et al. PLoS ONE. 2013;8(4):e62138). This variant was previously reported in the SNPDatabase as rs377673676. Based on data from the NHLBI Exome Sequencing Project (ESP), the A allele has an overall frequency of approximately 0.01% (1/13006) total alleles studied, having been observed in 0.02% (1/4406) African American alleles. This amino acid position is highly conserved in available vertebrate species. In addition, the in silico prediction for this alteration is inconclusive. Since supporting evidence is limited at this time, the clinical significance of this variant remains unclear.

Literature cited by the submitters: PubMed 23626780 (cited by Labcorp Genetics (formerly Invitae), Labcorp and Ambry Genetics).

NM_001308093.3(GATA4):c.631G>A (p.Asp211Asn)

Gene: GATA4 (GATA binding protein 4). Cytogenetic location: 8p23.1.
Variant type: single nucleotide variant.
Coding change: c.631G>A on transcript NM_001308093.3 (MANE Select); coding-DNA position 631, G replaced by A.
Protein change: p.Asp211Asn; replaces aspartic acid 211 with asparagine.
Molecular consequence: missense variant.
Genome position (GRCh38, 1-based): chr8:11,748,930, G>A. VCF-style: chr8-11748930-G-A. GRCh37 (hg19) VCF-style: chr8-11606439-G-A.
Other names: c.10G>A, p.Asp4Asn (NM_001308094.2, NM_001374273.1, NM_001374274.1); c.628G>A, p.Asp210Asn (NM_002052.5); short protein forms D210N, D4N, D211N.
Identifiers: ClinVar variation 570759 (VCV000570759.13), dbSNP rs377673676, ClinGen allele CA4630658.